The following is an entry in ClinVar:

NM_001374736.1(DST):c.4676T>C (p.Met1559Thr)

Gene: DST (dystonin; minus strand). Cytogenetic location: 6p12.1.
Variant type: single nucleotide variant.
Coding change: c.4676T>C on transcript NM_001374736.1 (MANE Select); coding-DNA position 4676, T replaced by C.
Protein change: p.Met1559Thr; replaces methionine 1559 with threonine.
Molecular consequence: missense variant.
Genome position (GRCh38, 1-based): chr6:56,627,250, A>G on the plus strand (T>C on the coding strand, the complement: DST is on the minus strand). VCF-style: chr6-56627250-A-G. GRCh37 (hg19) VCF-style: chr6-56492048-A-G.
Other names: c.4577T>C, p.Met1526Thr (NM_001144769.5); c.4163T>C, p.Met1388Thr (NM_001144770.2); c.4676T>C, p.Met1559Thr (NM_001374722.1); c.4043T>C, p.Met1348Thr (NM_001374729.1, NM_001374730.1, NM_001386100.1 and 1 more transcripts); c.4703T>C, p.Met1568Thr (NM_001374734.1); c.3065T>C, p.Met1022Thr (NM_001723.7, NM_015548.5); short protein forms M1022T, M1388T, M1559T, M1568T, M1348T, M1526T.
Identifiers: ClinVar variation 1741600 (VCV001741600.2), dbSNP rs2098743195, ClinGen allele CA364573038.

ClinVar aggregate classification (germline): Uncertain significance (1 of 4 stars; one submission).

Conditions:
Inborn genetic diseases. Identifiers: MedGen C0950123, MeSH D030342.

Allele frequency attached by ClinVar (database versions not stated): gnomAD exomes below 0.00001.

Submission:

Ambry Genetics
Classification: Uncertain significance for Inborn genetic diseases. Last evaluated: 2021-09-22. Review status: criteria provided, single submitter. Criteria: Ambry Variant Classification Scheme 2023. Collection method: clinical testing. Allele origin: germline.
Comment: The p.M1526T variant (also known as c.4577T>C), located in coding exon 33 of the DST gene, results from a T to C substitution at nucleotide position 4577. The methionine at codon 1526 is replaced by threonine, an amino acid with similar properties. This amino acid position is not well conserved in available vertebrate species. In addition, the in silico prediction for this alteration is inconclusive. Since supporting evidence is limited at this time, the clinical significance of this alteration remains unclear.